The following is an entry in ClinVar:

ClinVar aggregate classification (germline): Uncertain significance (1 of 4 stars; one submission).

Conditions:
Hajdu-Cheney syndrome (HJCYS). Also called: Acroosteolysis dominant type; ACROOSTEOLYSIS WITH OSTEOPOROSIS AND CHANGES IN SKULL AND MANDIBLE; SERPENTINE FIBULA-POLYCYSTIC KIDNEY SYNDROME. Identifiers: Orphanet 955, MedGen C0917715, MONDO:0007057, OMIM 102500.

Allele frequency attached by ClinVar (database versions not stated): gnomAD exomes 0.00001; ExAC 0.00002.

Submission:

Labcorp Genetics (formerly Invitae), Labcorp
Classification: Uncertain significance for Hajdu-Cheney syndrome. Last evaluated: 2024-11-18. Review status: criteria provided, single submitter. Criteria: Invitae Variant Classification Sherloc (09022015). Collection method: clinical testing. Allele origin: germline.
Comment: This sequence change replaces asparagine, which is neutral and polar, with lysine, which is basic and polar, at codon 2088 of the NOTCH2 protein (p.Asn2088Lys). This variant is present in population databases (rs769574168, gnomAD 0.02%). This variant has not been reported in the literature in individuals affected with NOTCH2-related conditions. ClinVar contains an entry for this variant (Variation ID: 1497523). Invitae Evidence Modeling of protein sequence and biophysical properties (such as structural, functional, and spatial information, amino acid conservation, physicochemical variation, residue mobility, and thermodynamic stability) indicates that this missense variant is not expected to disrupt NOTCH2 protein function with a negative predictive value of 80%. In summary, the available evidence is currently insufficient to determine the role of this variant in disease. Therefore, it has been classified as a Variant of Uncertain Significance.

NM_024408.4(NOTCH2):c.6264C>A (p.Asn2088Lys)

Gene: NOTCH2 (notch receptor 2; minus strand). Cytogenetic location: 1p12.
Variant type: single nucleotide variant.
Coding change: c.6264C>A on transcript NM_024408.4 (MANE Select); coding-DNA position 6264, C replaced by A.
Protein change: p.Asn2088Lys; replaces asparagine 2088 with lysine.
Molecular consequence: missense variant.
Genome position (GRCh38, 1-based): chr1:119,916,458, G>T on the plus strand (C>A on the coding strand, the complement: NOTCH2 is on the minus strand). VCF-style: chr1-119916458-G-T. GRCh37 (hg19) VCF-style: chr1-120459081-G-T.
Other names: short protein forms N2088K.
Identifiers: ClinVar variation 1497523 (VCV001497523.8), dbSNP rs769574168, ClinGen allele CA1039453.